The following is an entry in ClinVar:

NM_020297.4(ABCC9):c.1062A>G (p.Leu354=)

Gene: ABCC9 (ATP binding cassette subfamily C member 9; minus strand). Cytogenetic location: 12p12.1.
Variant type: single nucleotide variant.
Coding change: c.1062A>G on transcript NM_020297.4 (MANE Select); coding-DNA position 1062, A replaced by G.
Protein change: p.Leu354=; no amino-acid change (leucine 354 retained).
Molecular consequence: synonymous variant.
Genome position (GRCh38, 1-based): chr12:21,910,928, T>C on the plus strand (A>G on the coding strand, the complement: ABCC9 is on the minus strand). VCF-style: chr12-21910928-T-C. GRCh37 (hg19) VCF-style: chr12-22063862-T-C.
Other names: c.1062A>G, p.Leu354= (NM_001377273.1, NM_005691.4); c.198A>G, p.Leu66= (NM_001377274.1).
Identifiers: ClinVar variation 507573 (VCV000507573.5), dbSNP rs1555114097, ClinGen allele CA478870664.

ClinVar aggregate classification (germline): Likely benign. Review status: criteria provided, multiple submitters, no conflicts (2 of 4 stars). 2 submissions from 2 submitters: Likely benign (2). Last evaluated 2022-04-04.

Conditions:
Dilated cardiomyopathy 1O (CMD1O). Also called: CARDIOMYOPATHY, DILATED, WITH VENTRICULAR TACHYCARDIA. Identifiers: Orphanet 154, MedGen C1837839, MONDO:0012062, OMIM 608569.

Allele frequency attached by ClinVar (database versions not stated): gnomAD exomes 0.00001.
gnomAD v4.1: 8 of 1,612,576 alleles (0.0005%); highest among the groups gnomAD compares: South Asian, 0.0011%; no homozygotes.

Submissions (2):

Labcorp Genetics (formerly Invitae), Labcorp
Classification: Likely benign for Dilated cardiomyopathy 1O. Last evaluated: 2022-04-04. Review status: criteria provided, single submitter. Criteria: Invitae Variant Classification Sherloc (09022015). Collection method: clinical testing. Allele origin: germline.

GeneDx
Classification: Likely benign. Last evaluated: 2017-02-27. Review status: criteria provided, single submitter. Criteria: GeneDx Variant Classification (06012015). Collection method: clinical testing. Allele origin: germline. Affected: yes.
Comment: This variant is considered likely benign or benign based on one or more of the following criteria: it is a conservative change, it occurs at a poorly conserved position in the protein, it is predicted to be benign by multiple in silico algorithms, and/or has population frequency not consistent with disease.